The following is an entry in ClinVar:

NM_005633.4(SOS1):c.3980T>C (p.Leu1327Ser)

Gene: SOS1 (SOS Ras/Rac guanine nucleotide exchange factor 1; minus strand). Cytogenetic location: 2p22.1.
Variant type: single nucleotide variant.
Coding change: c.3980T>C on transcript NM_005633.4 (MANE Select); coding-DNA position 3980, T replaced by C.
Protein change: p.Leu1327Ser; replaces leucine 1327 with serine.
Molecular consequence: missense variant.
Genome position (GRCh38, 1-based): chr2:38,985,846, A>G on the plus strand (T>C on the coding strand, the complement: SOS1 is on the minus strand). VCF-style: chr2-38985846-A-G. GRCh37 (hg19) VCF-style: chr2-39212987-A-G.
Other names: c.3959T>C, p.Leu1320Ser (NM_001382394.1); c.3935T>C, p.Leu1312Ser (NM_001382395.1); short protein forms L1320S, L1327S, L1312S.
Identifiers: ClinVar variation 2856773 (VCV002856773.3), dbSNP rs1191984233, ClinGen allele CA346361904.

ClinVar aggregate classification (germline): Uncertain significance (1 of 4 stars; one submission).

Conditions:
RASopathy. Also called: Noonan spectrum disorder; rasopathies. Identifiers: Orphanet 536391, MedGen C5555857, MONDO:0021060.

Submission:

Labcorp Genetics (formerly Invitae), Labcorp
Classification: Uncertain significance for RASopathy. Last evaluated: 2025-03-05. Review status: criteria provided, single submitter. Criteria: Invitae Variant Classification Sherloc (09022015). Collection method: clinical testing. Allele origin: germline.
Comment: This sequence change replaces leucine, which is neutral and non-polar, with serine, which is neutral and polar, at codon 1327 of the SOS1 protein (p.Leu1327Ser). This variant is not present in population databases (gnomAD no frequency). This variant has not been reported in the literature in individuals affected with SOS1-related conditions. ClinVar contains an entry for this variant (Variation ID: 2856773). Invitae Evidence Modeling of protein sequence and biophysical properties (such as structural, functional, and spatial information, amino acid conservation, physicochemical variation, residue mobility, and thermodynamic stability) indicates that this missense variant is not expected to disrupt SOS1 protein function with a negative predictive value of 95%. In summary, the available evidence is currently insufficient to determine the role of this variant in disease. Therefore, it has been classified as a Variant of Uncertain Significance.